The following is an entry in ClinVar:

NM_001267550.2(TTN):c.101495T>C (p.Ile33832Thr)

Genes: TTN (titin; minus strand), TTN-AS1 (TTN antisense RNA 1; plus strand). Cytogenetic location: 2q31.2.
Variant type: single nucleotide variant.
Coding change: c.101495T>C on transcript NM_001267550.2 (MANE Select); coding-DNA position 101495, T replaced by C.
Protein change: p.Ile33832Thr; replaces isoleucine 33832 with threonine.
Molecular consequence: missense variant.
Genome position (GRCh38, 1-based): chr2:178,535,120, A>G on the plus strand (T>C on the coding strand, the complement: TTN is on the minus strand). VCF-style: chr2-178535120-A-G. GRCh37 (hg19) VCF-style: chr2-179399847-A-G.
Other names: c.96572T>C, p.Ile32191Thr (NM_001256850.1); c.74300T>C, p.Ile24767Thr (NM_003319.4); c.93791T>C, p.Ile31264Thr (NM_133378.4); c.74675T>C, p.Ile24892Thr (NM_133432.3); c.74876T>C, p.Ile24959Thr (NM_133437.4); short protein forms I24767T, I31264T, I33832T, I24892T, I24959T, I32191T.
Identifiers: ClinVar variation 1373253 (VCV001373253.8), dbSNP rs1476820246, ClinGen allele CA349420584.

ClinVar aggregate classification (germline): Uncertain significance (1 of 4 stars; one submission).

Conditions:
Dilated cardiomyopathy 1G (CMD1G). Identifiers: Orphanet 154, MedGen C1858763, MONDO:0011400, OMIM 604145.
Autosomal recessive limb-girdle muscular dystrophy type 2J (LGMDR10). Also called: Limb-girdle muscular dystrophy, type 2J; MUSCULAR DYSTROPHY, LIMB-GIRDLE, AUTOSOMAL RECESSIVE 10. Identifiers: Orphanet 140922, MedGen C1837342, MONDO:0012127, OMIM 608807.

Allele frequency attached by ClinVar (database versions not stated): gnomAD exomes below 0.00001 and 0.00001; gnomAD 0.00001; TOPMed 0.00001.
gnomAD v4.1: 19 of 1,613,724 alleles (0.0012%); highest among the groups gnomAD compares: African/African-American, 0.0027%; no homozygotes.

Submission:

Labcorp Genetics (formerly Invitae), Labcorp
Classification: Uncertain significance for Dilated cardiomyopathy 1G; Autosomal recessive limb-girdle muscular dystrophy type 2J. Last evaluated: 2022-10-24. Review status: criteria provided, single submitter. Criteria: Invitae Variant Classification Sherloc (09022015). Collection method: clinical testing. Allele origin: germline.
Comment: In summary, the available evidence is currently insufficient to determine the role of this variant in disease. Therefore, it has been classified as a Variant of Uncertain Significance. This variant is located in the M band of TTN (PMID: 25589632). Variants in this region may be relevant for neuromuscular disorders, but have not been definitively shown to cause cardiomyopathy (PMID: 23975875). This sequence change replaces isoleucine, which is neutral and non-polar, with threonine, which is neutral and polar, at codon 33832 of the TTN protein (p.Ile33832Thr). This variant is present in population databases (no rsID available, gnomAD 0.004%). This variant has not been reported in the literature in individuals affected with TTN-related conditions. ClinVar contains an entry for this variant (Variation ID: 1373253). Experimental studies and prediction algorithms are not available or were not evaluated, and the functional significance of this variant is currently unknown.

Literature cited by the submitters: PubMed 25589632; PubMed 23975875.